The following is an entry in ClinVar:

NM_001083926.2(ASRGL1):c.210C>A (p.Asn70Lys)

Gene: ASRGL1 (asparaginase and isoaspartyl peptidase 1; plus strand). Cytogenetic location: 11q12.3.
Variant type: single nucleotide variant.
Coding change: c.210C>A on transcript NM_001083926.2 (MANE Select); coding-DNA position 210, C replaced by A.
Protein change: p.Asn70Lys; replaces asparagine 70 with lysine.
Molecular consequence: missense variant.
Genome position (GRCh38, 1-based): chr11:62,356,344, C>A. VCF-style: chr11-62356344-C-A. GRCh37 (hg19) VCF-style: chr11-62123816-C-A.
Other names: c.210C>A, p.Asn70Lys (NM_025080.4); short protein forms N70K.
Identifiers: ClinVar variation 853054 (VCV000853054.12), dbSNP rs140751884, ClinGen allele CA6043128.

ClinVar aggregate classification (germline): Uncertain significance. Review status: criteria provided, multiple submitters, no conflicts (2 of 4 stars). 2 submissions from 2 submitters: Uncertain significance (2). Last evaluated 2025-10-29.

Allele frequency attached by ClinVar (database versions not stated): ExAC 0.00002; gnomAD exomes 0.00002 and 0.00004; ESP Exome Variant Server 0.00015; 1000 Genomes Project 30x 0.00016; gnomAD 0.00019 and 0.00020; 1000 Genomes Project 0.00020; TOPMed 0.00023.
gnomAD v4.1: 60 of 1,614,106 alleles (0.0037%); highest among the groups gnomAD compares: African/African-American, 0.068%; no homozygotes.

Submissions (2):

Labcorp Genetics (formerly Invitae), Labcorp
Classification: Uncertain significance. Last evaluated: 2025-10-29. Review status: criteria provided, single submitter. Criteria: Invitae Variant Classification Sherloc (09022015). Collection method: clinical testing. Allele origin: germline.
Comment: This sequence change replaces asparagine, which is neutral and polar, with lysine, which is basic and polar, at codon 70 of the ASRGL1 protein (p.Asn70Lys). This variant is present in population databases (rs140751884, gnomAD 0.05%). This variant has not been reported in the literature in individuals affected with ASRGL1-related conditions. ClinVar contains an entry for this variant (Variation ID: 853054). An algorithm developed to predict the effect of missense changes on protein structure and function (PolyPhen-2) suggests that this variant is likely to be disruptive. In summary, the available evidence is currently insufficient to determine the role of this variant in disease. Therefore, it has been classified as a Variant of Uncertain Significance.

Ambry Genetics
Classification: Uncertain significance. Last evaluated: 2024-12-11. Review status: criteria provided, single submitter. Criteria: Ambry Variant Classification Scheme 2023. Collection method: clinical testing. Allele origin: germline.